The following is an entry in ClinVar:

ClinVar aggregate classification (germline): Uncertain significance (1 of 4 stars; one submission).

Conditions:
Cardiovascular phenotype. Identifiers: MedGen CN230736.

Submission:

Ambry Genetics
Classification: Uncertain significance for Cardiovascular phenotype. Last evaluated: 2024-04-05. Review status: criteria provided, single submitter. Criteria: Ambry Variant Classification Scheme 2023. Collection method: clinical testing. Allele origin: germline.
Comment: The p.G291V variant (also known as c.872G>T), located in coding exon 1 of the FOXE3 gene, results from a G to T substitution at nucleotide position 872. The glycine at codon 291 is replaced by valine, an amino acid with dissimilar properties. This amino acid position is conserved. In addition, this alteration is predicted to be tolerated by in silico analysis. Based on the available evidence, the clinical significance of this variant remains unclear.

NM_012186.3(FOXE3):c.872G>T (p.Gly291Val)

Genes: FOXE3 (forkhead box E3; plus strand), LINC01389 (long intergenic non-protein coding RNA 1389; minus strand). Cytogenetic location: 1p33.
Variant type: single nucleotide variant.
Coding change: c.872G>T on transcript NM_012186.3 (MANE Select); coding-DNA position 872, G replaced by T.
Protein change: p.Gly291Val; replaces glycine 291 with valine.
Molecular consequence: missense variant.
Genome position (GRCh38, 1-based): chr1:47,417,187, G>T. VCF-style: chr1-47417187-G-T. GRCh37 (hg19) VCF-style: chr1-47882859-G-T.
Other names: short protein forms G291V.
Identifiers: ClinVar variation 3279566 (VCV003279566.1).